The following is an entry in ClinVar:

ClinVar aggregate classification (germline): Uncertain significance. Review status: criteria provided, multiple submitters, no conflicts (2 of 4 stars). 3 submissions from 3 submitters: Uncertain significance (3). Last evaluated 2025-05-29.

Conditions:
Hereditary cancer-predisposing syndrome. Also called: Neoplastic Syndromes, Hereditary; Tumor predisposition; Hereditary Cancer Syndrome; Hereditary neoplastic syndrome. Identifiers: Orphanet 140162, MedGen C0027672, MeSH D009386, MONDO:0015356.
Lynch syndrome 4 (LYNCH4). Also called: Colorectal cancer, hereditary nonpolyposis, type 4; Hereditary non-polyposis colorectal cancer, type 4. Identifiers: Orphanet 144, MedGen C1838333, MONDO:0013699, OMIM 614337. Disease mechanism: loss of function.
Hereditary nonpolyposis colorectal neoplasms. Identifiers: MedGen C0009405, MeSH D003123.

Submissions (3):

Ambry Genetics
Classification: Uncertain significance for Hereditary cancer-predisposing syndrome. Last evaluated: 2025-05-29. Review status: criteria provided, single submitter. Criteria: Ambry Variant Classification Scheme 2023. Collection method: clinical testing. Allele origin: germline.
Comment: The p.S373R variant (also known as c.1119T>A), located in coding exon 10 of the PMS2 gene, results from a T to A substitution at nucleotide position 1119. The serine at codon 373 is replaced by arginine, an amino acid with dissimilar properties. This amino acid position is not well conserved in available vertebrate species. In addition, the in silico prediction for this alteration is inconclusive. Based on the available evidence, the clinical significance of this variant remains unclear.

Baylor Genetics
Classification: Uncertain significance for Lynch syndrome 4. Last evaluated: 2023-08-08. Review status: criteria provided, single submitter. Criteria: ACMG Guidelines, 2015. Collection method: clinical testing. Allele origin: unknown.

Labcorp Genetics (formerly Invitae), Labcorp
Classification: Uncertain significance for Hereditary nonpolyposis colorectal neoplasms. Last evaluated: 2020-10-21. Review status: criteria provided, single submitter. Criteria: Invitae Variant Classification Sherloc (09022015). Collection method: clinical testing. Allele origin: germline.
Comment: In summary, the available evidence is currently insufficient to determine the role of this variant in disease. Therefore, it has been classified as a Variant of Uncertain Significance. Algorithms developed to predict the effect of missense changes on protein structure and function do not agree on the potential impact of this missense change (SIFT: "Deleterious"; PolyPhen-2: "Benign"; Align-GVGD: "Class C15"). This variant has not been reported in the literature in individuals with PMS2-related disease. This variant is not present in population databases (ExAC no frequency). This sequence change replaces serine with arginine at codon 373 of the PMS2 protein (p.Ser373Arg). The serine residue is weakly conserved and there is a moderate physicochemical difference between serine and arginine.

NM_000535.7(PMS2):c.1119T>A (p.Ser373Arg)

Gene: PMS2 (PMS1 homolog 2, mismatch repair system component; minus strand). Cytogenetic location: 7p22.1.
Variant type: single nucleotide variant.
Coding change: c.1119T>A on transcript NM_000535.7 (MANE Select); coding-DNA position 1119, T replaced by A.
Protein change: p.Ser373Arg; replaces serine 373 with arginine.
Molecular consequence: missense variant. On other transcripts: non-coding transcript variant (1), intron variant (2).
Genome position (GRCh38, 1-based): chr7:5,989,825, A>T on the plus strand (T>A on the coding strand, the complement: PMS2 is on the minus strand). VCF-style: chr7-5989825-A-T. GRCh37 (hg19) VCF-style: chr7-6029456-A-T.
Other names: c.714T>A, p.Ser238Arg (NM_001322003.2, NM_001322004.2, NM_001322005.2 and 1 more transcripts); c.801T>A, p.Ser267Arg (NM_001322007.2, NM_001322008.2); c.186T>A, p.Ser62Arg (NM_001322011.2, NM_001322012.2); c.546T>A, p.Ser182Arg (NM_001322013.2); c.1119T>A, p.Ser373Arg (NM_001322014.2); c.810T>A, p.Ser270Arg (NM_001322015.2); c.583+2148T>A (NM_001322010.2); c.988+2148T>A (NM_001322006.2); short protein forms S373R, S62R, S238R, S270R, S182R, S267R.
Identifiers: ClinVar variation 525728 (VCV000525728.13), dbSNP rs1060503147, ClinGen allele CA366742768.